The following is an entry in ClinVar:

NM_033641.4(COL4A6):c.456G>A (p.Gln152=)

Gene: COL4A6 (collagen type IV alpha 6 chain; minus strand). Cytogenetic location: Xq22.3.
Variant type: single nucleotide variant.
Coding change: c.456G>A on transcript NM_033641.4 (MANE Select); coding-DNA position 456, G replaced by A.
Protein change: p.Gln152=; no amino-acid change (glutamine 152 retained).
Molecular consequence: synonymous variant.
Genome position (GRCh38, 1-based): chrX:108,211,726, C>T on the plus strand (G>A on the coding strand, the complement: COL4A6 is on the minus strand). VCF-style: chrX-108211726-C-T. GRCh37 (hg19) VCF-style: chrX-107454956-C-T.
Other names: c.456G>A, p.Gln152= (NM_001287758.2, NM_001287759.2, NM_001287760.2); c.459G>A, p.Gln153= (NM_001847.4); c.459G>A (NM_001847.3).
Identifiers: ClinVar variation 1317966 (VCV001317966.9), dbSNP rs752639069, ClinGen allele CA10488158.

ClinVar aggregate classification (germline): Likely benign. Review status: criteria provided, multiple submitters, no conflicts (2 of 4 stars). 4 submissions from 4 submitters: Likely benign (3). 1 of the submissions does not count toward it. Last evaluated 2025-09-05.

Conditions:
COL4A6-related disorder. Also called: COL4A6-related condition.

Allele frequency attached by ClinVar (database versions not stated): ExAC 0.00003; gnomAD exomes 0.00004 and 0.00011; TOPMed 0.00007; gnomAD 0.00008 and 0.00009.
gnomAD v4.1: 128 of 1,209,619 alleles (0.011%); highest among the groups gnomAD compares: Non-Finnish European, 0.013%; no homozygotes.

Submissions (4):

Labcorp Genetics (formerly Invitae), Labcorp
Classification: Likely benign. Last evaluated: 2025-09-05. Review status: criteria provided, single submitter. Criteria: Invitae Variant Classification Sherloc (09022015). Collection method: clinical testing. Allele origin: germline.

Blueprint Genetics
Classification: Likely benign. Last evaluated: 2024-06-10. Review status: criteria provided, single submitter. Criteria: ACMG Guidelines, 2015. Collection method: clinical testing. Allele origin: germline.

GeneDx
Classification: Likely benign. Last evaluated: 2019-12-24. Review status: criteria provided, single submitter. Criteria: GeneDx Variant Classification Process June 2021. Collection method: clinical testing. Allele origin: germline. Affected: yes.

PreventionGenetics, part of Exact Sciences
Classification: Likely benign for COL4A6-related condition. Last evaluated: 2022-02-11. Review status: no assertion criteria provided. Collection method: clinical testing. Allele origin: germline. Not counted in ClinVar's aggregate classification.
Comment: This variant is classified as likely benign based on ACMG/AMP sequence variant interpretation guidelines (Richards et al. 2015 PMID: 25741868, with internal and published modifications).